The following is an entry in ClinVar:

NM_000070.3(CAPN3):c.632+2T>A

Gene: CAPN3 (calpain 3; plus strand). Cytogenetic location: 15q15.1.
Variant type: single nucleotide variant.
Coding change: c.632+2T>A on transcript NM_000070.3 (MANE Select); the canonical splice donor site of the intron after coding-DNA position 632, T replaced by A.
Molecular consequence: splice donor variant.
Genome position (GRCh38, 1-based): chr15:42,387,888, T>A. VCF-style: chr15-42387888-T-A. GRCh37 (hg19) VCF-style: chr15-42680086-T-A.
Other names: c.632+2T>A (NM_024344.2, NM_173087.2).
Identifiers: ClinVar variation 4063937 (VCV004063937.2).

ClinVar aggregate classification (germline): Likely pathogenic (1 of 4 stars; one submission).

Conditions:
Autosomal recessive limb-girdle muscular dystrophy type 2A (LGMDR1). Also called: LEYDEN-MOEBIUS MUSCULAR DYSTROPHY; MUSCULAR DYSTROPHY, PELVOFEMORAL; Limb-girdle muscular dystrophy, type 2A; Calpainopathy; Muscular dystrophy, limb-girdle, type 2A, Amish. Identifiers: Orphanet 267, MedGen C1869123, MONDO:0009675, OMIM 253600. Disease mechanism: loss of function.

Submission:

Natera, Inc.
Classification: Likely pathogenic for Limb-girdle muscular dystrophy type 2A. Last evaluated: 2025-05-21. Review status: criteria provided, single submitter. Criteria: Natera Variant Classification Schema (03/2026). Collection method: clinical testing. Allele origin: germline.
Comment: The c.632+2T>A variant in CAPN3 is a canonical splice donor site variant predicted to affect pre-mRNA splicing, which may result in an abnormal transcript and altered protein product. This variant is expected to result in nonsense mediated decay, truncation, or a dysfunctional protein product. This variant is rare in the general population with a frequency below the threshold expected for the associated phenotype(s). Given the available evidence, this variant is classified as Likely Pathogenic.